The following is an entry in ClinVar:

ClinVar aggregate classification (germline): Uncertain significance (1 of 4 stars; one submission).

Conditions:
Ullrich congenital muscular dystrophy 2 (UCMD2). Identifiers: Orphanet 75840, MedGen C4225314, MONDO:0014654, OMIM 616470.
Bethlem myopathy 2 (BTHLM2). Identifiers: Orphanet 536516, Orphanet 610, MedGen C4225313, MONDO:0034022, OMIM 616471.

Submission:

Labcorp Genetics (formerly Invitae), Labcorp
Classification: Uncertain significance for Bethlem myopathy 2; Ullrich congenital muscular dystrophy 2. Last evaluated: 2024-10-10. Review status: criteria provided, single submitter. Criteria: Invitae Variant Classification Sherloc (09022015). Collection method: clinical testing. Allele origin: germline.
Comment: This sequence change replaces arginine, which is basic and polar, with glycine, which is neutral and non-polar, at codon 2696 of the COL12A1 protein (p.Arg2696Gly). This variant is not present in population databases (gnomAD no frequency). This variant has not been reported in the literature in individuals affected with COL12A1-related conditions. Invitae Evidence Modeling of protein sequence and biophysical properties (such as structural, functional, and spatial information, amino acid conservation, physicochemical variation, residue mobility, and thermodynamic stability) indicates that this missense variant is not expected to disrupt COL12A1 protein function with a negative predictive value of 80%. In summary, the available evidence is currently insufficient to determine the role of this variant in disease. Therefore, it has been classified as a Variant of Uncertain Significance.

NM_004370.6(COL12A1):c.8086A>G (p.Arg2696Gly)

Gene: COL12A1 (collagen type XII alpha 1 chain; minus strand). Cytogenetic location: 6q13.
Variant type: single nucleotide variant.
Coding change: c.8086A>G on transcript NM_004370.6 (MANE Select); coding-DNA position 8086, A replaced by G.
Protein change: p.Arg2696Gly; replaces arginine 2696 with glycine.
Molecular consequence: missense variant.
Genome position (GRCh38, 1-based): chr6:75,109,032, T>C on the plus strand (A>G on the coding strand, the complement: COL12A1 is on the minus strand). VCF-style: chr6-75109032-T-C. GRCh37 (hg19) VCF-style: chr6-75818748-T-C.
Other names: c.8086A>G, p.Arg2696Gly (NM_001424113.1); c.8065A>G, p.Arg2689Gly (NM_001424114.1); c.7813A>G, p.Arg2605Gly (NM_001424115.1); c.4594A>G, p.Arg1532Gly (NM_001424116.1, NM_080645.3); short protein forms R1532G, R2605G, R2689G, R2696G.
Identifiers: ClinVar variation 3763672 (VCV003763672.2).